The following is an entry in ClinVar:

NM_001739.2(CA5A):c.721G>A (p.Glu241Lys)

Gene: CA5A (carbonic anhydrase 5A; minus strand). Cytogenetic location: 16q24.2.
Variant type: single nucleotide variant.
Coding change: c.721G>A on transcript NM_001739.2 (MANE Select); coding-DNA position 721, G replaced by A.
Protein change: p.Glu241Lys; replaces glutamic acid 241 with lysine.
Molecular consequence: missense variant. On other transcripts: non-coding transcript variant (2).
Genome position (GRCh38, 1-based): chr16:87,891,852, C>T on the plus strand (G>A on the coding strand, the complement: CA5A is on the minus strand). VCF-style: chr16-87891852-C-T. GRCh37 (hg19) VCF-style: chr16-87925458-C-T.
Other names: c.721G>A, p.Glu241Lys (NM_001367225.1); short protein forms E241K.
Identifiers: ClinVar variation 388645 (VCV000388645.30), dbSNP rs563971993, ClinGen allele CA8223304.

ClinVar aggregate classification (germline): Pathogenic/Likely pathogenic. Review status: criteria provided, multiple submitters, no conflicts (2 of 4 stars). 13 submissions from 13 submitters: Pathogenic (6); Likely pathogenic (5). 2 of the submissions do not count toward it. Last evaluated 2025-12-17.

Conditions:
Hyperammonemic encephalopathy due to carbonic anhydrase VA deficiency. Also called: Carbonic Anhydrase VA Deficiency; Carbonic anhydrase VA deficiency, hyperammonemia due to. Identifiers: Orphanet 401948, MedGen C4706871, MONDO:0014332, OMIM 615751.

Allele frequency attached by ClinVar (database versions not stated): gnomAD exomes 0.00018 and 0.00035; 1000 Genomes Project 0.00040; gnomAD 0.00002 and 0.00007; TOPMed 0.00005; 1000 Genomes Project 30x 0.00047; ExAC 0.00068.

Submissions (13):

Kasturba Medical College, Manipal, Kasturba Medical College, Manipal, Manipal Academy of Higher Education, Manipal, India
Classification: Likely pathogenic for Hyperammonemic encephalopathy due to carbonic anhydrase VA deficiency. Last evaluated: 2025-12-17. Review status: criteria provided, single submitter. Criteria: ACMG Guidelines, 2015. Collection method: research. Allele origin: biparental. Inheritance: Autosomal recessive inheritance. Affected: yes.
Comment: This variant is present in 83 individuals in heterozygous state and is absent in homozygous state in the population database gnomAD (v4.1.0). It is also absent in our in-house database of 3,650 exomes. In silico analysis tools (REVEL, CADD_phred) consistently predict the variant to be damaging to CA5A protein function.

Labcorp Genetics (formerly Invitae), Labcorp
Classification: Pathogenic for Hyperammonemic encephalopathy due to carbonic anhydrase VA deficiency. Last evaluated: 2025-12-03. Review status: criteria provided, single submitter. Criteria: Invitae Variant Classification Sherloc (09022015). Collection method: clinical testing. Allele origin: germline.
Comment: This sequence change replaces glutamic acid, which is acidic and polar, with lysine, which is basic and polar, at codon 241 of the CA5A protein (p.Glu241Lys). This variant is present in population databases (rs563971993, gnomAD 0.3%). This missense change has been observed in individuals with carbonic anhydrase VA deficiency (PMID: 26913920, 32381389, 33473334; internal data). ClinVar contains an entry for this variant (Variation ID: 388645). Invitae Evidence Modeling of protein sequence and biophysical properties (such as structural, functional, and spatial information, amino acid conservation, physicochemical variation, residue mobility, and thermodynamic stability) indicates that this missense variant is expected to disrupt CA5A protein function with a positive predictive value of 80%. Experimental studies have shown that this missense change affects CA5A function (PMID: 26913920). For these reasons, this variant has been classified as Pathogenic.

3billion
Classification: Pathogenic for Hyperammonemic encephalopathy due to carbonic anhydrase VA deficiency. Last evaluated: 2025-12-01. Review status: criteria provided, single submitter. Criteria: ACMG Guidelines, 2015. Collection method: clinical testing. Allele origin: germline. Affected: yes.
Comment: The variant is observed at an extremely low frequency in the gnomAD v4.1.0 dataset (total allele frequency: 0.017%). Predicted Consequence/Location: Missense variant. The majority of the known disease-causing variants of this gene are variants expected to result in premature termination of the protein. Functional studies provide moderate evidence of the variant having a damaging effect on the gene or gene product (PMID: 26913920). In silico tool predictions suggest damaging effect of the variant on gene or gene product [REVEL: 0.89 (>=0.6, sensitivity 0.68 and specificity 0.92); 3Cnet: 0.99 (> 0.75, sensitivity 0.96 and precision 0.92)]. The same nucleotide change resulting in the same amino acid change has been previously reported as pathogenic/likely pathogenic with strong evidence (ClinVar ID: VCV000388645 /PMID: 26913920). Therefore, this variant is classified as Pathogenic according to the recommendation of ACMG/AMP guideline.

Victorian Clinical Genetics Services, Murdoch Childrens Research Institute
Classification: Pathogenic for Hyperammonemic encephalopathy due to carbonic anhydrase VA deficiency. Last evaluated: 2025-03-31. Review status: criteria provided, single submitter. Criteria: ACMG Guidelines, 2015. Collection method: clinical testing. Allele origin: germline. Affected: yes.
Comment: This variant is classified as Pathogenic. Evidence in support of pathogenic classification: Variant is present in gnomAD <0.01 for a recessive condition (v4: 271 heterozygote(s), 0 homozygote(s)); This variant has strong previous evidence of pathogenicity in unrelated individuals. This variant has been classified as pathogenic and likely pathogenic by multiple clinical laboratories in ClinVar, and has been reported in the literature in unrelated homozygous infants with metabolic crisis and hyperammonemia and carbonic anhydrase deficiency (PMIDs: 26913920, 32381389); This variant has moderate functional evidence supporting abnormal protein function. Transfected Sf9 cells demonstrated a 75% decrease in enzyme activity and increased thermal instability (PMID: 26913920); Missense variant predicted to be damaging by in silico tool(s) or highly conserved with a major amino acid change; Variant detected in trans with a pathogenic variant in a recessive disease. A deletion spanning exon 6 of CA5A has also been identified. Additional information: Variant is predicted to result in a missense amino acid change from glutamic acid to lysine; This variant is hemizygous; This gene is associated with autosomal recessive disease; No comparable missense variants have previous evidence for pathogenicity; Variant is located in the annotated carbonic anhydrase domain (DECIPHER); Loss of function is a known mechanism of disease in this gene and is associated with hyperammonemia due to carbonic anhydrase VA deficiency (MIM#615751).

Department of Pathology and Laboratory Medicine, Sinai Health System
Classification: Pathogenic for Hyperammonemic encephalopathy due to carbonic anhydrase VA deficiency. Last evaluated: 2023-04-18. Review status: criteria provided, single submitter. Criteria: ACMG Guidelines, 2015. Collection method: research. Allele origin: germline.

GeneDx
Classification: Pathogenic. Last evaluated: 2023-04-06. Review status: criteria provided, single submitter. Criteria: GeneDx Variant Classification Process June 2021. Collection method: clinical testing. Allele origin: germline. Affected: yes.
Comment: Published functional studies demonstrate a damaging effect with this variant resulting in significantly reduced enzyme stability and activity compared to wildtype (Diez-Fernandez et al., 2016); In silico analysis supports that this missense variant has a deleterious effect on protein structure/function; This variant is associated with the following publications: (PMID: 26913920, 34426522, 32381389, 32809955, 32553838, 25834911, 36464834, 36411877, 33473334)

Revvity Omics, Revvity
Classification: Likely pathogenic for Hyperammonemic encephalopathy due to carbonic anhydrase VA deficiency. Last evaluated: 2023-02-06. Review status: criteria provided, single submitter. Criteria: ACMG Guidelines, 2015. Collection method: clinical testing. Allele origin: germline.

Juno Genomics, Hangzhou Juno Genomics, Inc
Classification: Likely pathogenic for Hyperammonemic encephalopathy due to carbonic anhydrase VA deficiency. Review status: criteria provided, single submitter. Criteria: ACMG Guidelines, 2015. Collection method: clinical testing. Allele origin: germline.
Comment: Absent from controls (or at extremely low frequency if recessive) in Genome Aggregation Database.;Well-established in vitro or in vivo functional studies supportive of a damaging effect on the gene or gene product.;For recessive disorders, detected in trans with a pathogenic variant.;Patient's phenotype or family history is highly specific for a disease with a single genetic etiology.

Lifecell International Pvt. Ltd
Classification: Likely pathogenic for Hyperammonemic encephalopathy due to carbonic anhydrase VA deficiency. Review status: criteria provided, single submitter. Criteria: ACMG Guidelines, 2015. Collection method: clinical testing. Allele origin: germline. Inheritance: Autosomal recessive inheritance. Affected: yes. Observed: 1 compound heterozygote.
Comment: A Heterozygous Missense variant c.721G>A in Exon 6 of the CA5A gene that results in the amino acid substitution p.Glu241Lys was identified. The observed variant has a maximum allele frequency of 0.00035/0.00003% in gnomAD exomes and genomes, respectively. The severity of the impact of this variant on the protein is high, based on the effect of the protein and REVEL score . Rare Exome Variant Ensemble Learner (REVEL) is an ensembl method for predicting the pathogenicity of missense variants based on a combination of scores from 13 individual tools: MutPred, FATHMM v2.3, VEST 3.0, PolyPhen-2, SIFT, PROVEAN, MutationAssessor, MutationTaster, LRT, GERP++, SiPhy, phyloP, and phastCons. The REVEL score for an individual missense variant can range from 0 to 1, with higher scores reflecting greater likelihood that the variant is disease-causing. ClinVar has also classified this variant as PathogenicLikelyPathogenic(Variant ID 388645). Published functional studies demonstrate a damaging effect with this variant resulting in significantly reduced enzyme stability and activity compared to wildtype. This variant has been previously reported by Diez Fernandaz et al., 2006. Based on the above evidence this variant has been classified as Likely Pathogenic according to the ACMG guidelines.

Neuberg Centre For Genomic Medicine, NCGM
Classification: Pathogenic for Hyperammonemic encephalopathy due to carbonic anhydrase VA deficiency. Review status: criteria provided, single submitter. Criteria: ACMG Guidelines, 2015. Collection method: clinical testing. Allele origin: germline. Inheritance: Autosomal recessive inheritance. Affected: yes.
Comment: The missense variant c.721G>Ap.Glu241Lys in CA5A gene has been reported in homozygous state in individuals with Mitochondrial carbonic anhydrase VA deficiency Konanki R, et al., 2020. Experimental studies have shown that this missense change affects CA5A function Diez-Fernandez C, et al., 2016. The variant is reported with 0.03% allele frequency in gnomAD Exomes and is novel not in any individuals in 1000 Genomes. This variant has been reported to the ClinVar database as Pathogenic/Likely Pathogenic. The amino acid Glutamic acid at position 241 is changed to a Lysine changing protein sequence and it might alter its composition and physico-chemical properties. The variant is predicted to be damaging by SIFT. The amino acid change p.Glu241Lys in CA5A is predicted as conserved by GERP++ and PhyloP across 100 vertebrates. For these reasons, this variant has been classified as Pathogenic.

Suma Genomics
Classification: Likely pathogenic for Hyperammonemic encephalopathy due to carbonic anhydrase VA deficiency. Review status: criteria provided, single submitter. Criteria: ACMG Guidelines, 2015. Collection method: clinical testing. Allele origin: inherited. Inheritance: Autosomal recessive inheritance. Affected: yes.

OMIM
Classification: Pathogenic for CARBONIC ANHYDRASE VA DEFICIENCY, HYPERAMMONEMIA DUE TO. Last evaluated: 2018-09-25. Review status: no assertion criteria provided. Collection method: literature only. Allele origin: germline. Not counted in ClinVar's aggregate classification.

GeneReviews
No classification provided. Condition: Hyperammonemic encephalopathy due to carbonic anhydrase VA deficiency. Review status: no classification provided. Collection method: literature only. Allele origin: germline. Not counted in ClinVar's aggregate classification.
Comment: Recurrent variant found in majority of affected persons from the Indian subcontinent.

Literature cited by the submitters: PubMed 32381389 (cited by 3 submitters); PubMed 26913920 (cited by 6 submitters); PubMed 33473334 (cited by Labcorp Genetics (formerly Invitae), Labcorp); NCBI Bookshelf NBK284774 (cited by GeneReviews); PubMed 25834911 (cited by GeneReviews).